The following is an entry in ClinVar:

ClinVar aggregate classification (germline): Uncertain significance (1 of 4 stars; one submission).

Submission:

GeneDx
Classification: Uncertain significance. Last evaluated: 2019-05-07. Review status: criteria provided, single submitter. Criteria: GeneDx Variant Classification Process June 2021. Collection method: clinical testing. Allele origin: germline. Affected: yes.
Comment: Not observed in large population cohorts (Lek et al., 2016); In silico analysis, which includes protein predictors and evolutionary conservation, supports a deleterious effect; Has not been previously published as pathogenic or benign to our knowledge

NM_000396.4(CTSK):c.254A>G (p.Glu85Gly)

Gene: CTSK (cathepsin K; minus strand). Cytogenetic location: 1q21.3.
Variant type: single nucleotide variant.
Coding change: c.254A>G on transcript NM_000396.4 (MANE Select); coding-DNA position 254, A replaced by G.
Protein change: p.Glu85Gly; replaces glutamic acid 85 with glycine.
Molecular consequence: missense variant.
Genome position (GRCh38, 1-based): chr1:150,806,006, T>C on the plus strand (A>G on the coding strand, the complement: CTSK is on the minus strand). VCF-style: chr1-150806006-T-C. GRCh37 (hg19) VCF-style: chr1-150778482-T-C.
Other names: short protein forms E85G.
Identifiers: ClinVar variation 1303089 (VCV001303089.2), dbSNP rs2101953350, ClinGen allele CA342337137.